The following is an entry in ClinVar:

ClinVar aggregate classification (germline): Uncertain significance (1 of 4 stars; one submission).

Conditions:
Neurofibromatosis, type 1 (NF1). Also called: VON RECKLINGHAUSEN DISEASE; Peripheral type neurofibromatosis; NEUROFIBROMATOSIS, TYPE I, SOMATIC; Neurofibromatosis, type I. Identifiers: Orphanet 636, MedGen C0027831, MONDO:0018975, OMIM 162200. Disease mechanism: loss of function.

Submission:

Labcorp Genetics (formerly Invitae), Labcorp
Classification: Uncertain significance for Neurofibromatosis, type 1. Last evaluated: 2024-06-16. Review status: criteria provided, single submitter. Criteria: Invitae Variant Classification Sherloc (09022015). Collection method: clinical testing. Allele origin: germline.
Comment: This sequence change replaces threonine, which is neutral and polar, with serine, which is neutral and polar, at codon 2784 of the NF1 protein (p.Thr2784Ser). This variant is not present in population databases (gnomAD no frequency). This variant has not been reported in the literature in individuals affected with NF1-related conditions. Advanced modeling of protein sequence and biophysical properties (such as structural, functional, and spatial information, amino acid conservation, physicochemical variation, residue mobility, and thermodynamic stability) performed at Invitae indicates that this missense variant is not expected to disrupt NF1 protein function with a negative predictive value of 95%. In summary, the available evidence is currently insufficient to determine the role of this variant in disease. Therefore, it has been classified as a Variant of Uncertain Significance.

NM_001042492.3(NF1):c.8414C>G (p.Thr2805Ser)

Gene: NF1 (neurofibromin 1; plus strand). Cytogenetic location: 17q11.2.
Variant type: single nucleotide variant.
Coding change: c.8414C>G on transcript NM_001042492.3 (MANE Select); coding-DNA position 8414, C replaced by G.
Protein change: p.Thr2805Ser; replaces threonine 2805 with serine.
Molecular consequence: missense variant.
Genome position (GRCh38, 1-based): chr17:31,374,049, C>G. VCF-style: chr17-31374049-C-G. GRCh37 (hg19) VCF-style: chr17-29701067-C-G.
Other names: c.8351C>G, p.Thr2784Ser (NM_000267.4); short protein forms T2805S, T2784S.
Identifiers: ClinVar variation 3634616 (VCV003634616.2).
Genomic context (GRCh38, chr17:31,374,049, plus strand): 5'-ACTGGCTGTTCTCTTTTTCTCCAGGAATCGACAAGGAGAACGTTGAACTCTCCCCTACCA[C>G]TGGCCACTGTAACAGTGGACGAACTCGCCACGGATCCGCAAGCCAAGTGCAGAAGCAAAG-3'
Protein context (NP_001035957.1, residues 2795-2815): DKENVELSPT[Thr2805Ser]GHCNSGRTRH